The following is an entry in ClinVar:

NM_177438.3(DICER1):c.5558C>T (p.Pro1853Leu)

Gene: DICER1 (dicer 1, ribonuclease III; minus strand). Cytogenetic location: 14q32.13.
Variant type: single nucleotide variant.
Coding change: c.5558C>T on transcript NM_177438.3 (MANE Select); coding-DNA position 5558, C replaced by T.
Protein change: p.Pro1853Leu; replaces proline 1853 with leucine.
Molecular consequence: missense variant. On other transcripts: synonymous variant (1), non-coding transcript variant (6).
Genome position (GRCh38, 1-based): chr14:95,091,079, G>A on the plus strand (C>T on the coding strand, the complement: DICER1 is on the minus strand). VCF-style: chr14-95091079-G-A. GRCh37 (hg19) VCF-style: chr14-95557416-G-A.
Other names: c.5395C>T, p.Leu1799= (NM_001195573.1); c.5558C>T, p.Pro1853Leu (NM_001271282.3, NM_001291628.2, NM_001395677.1 and 7 more transcripts); c.5276C>T, p.Pro1759Leu (NM_001395686.1); c.5153C>T, p.Pro1718Leu (NM_001395687.1, NM_001395688.1, NM_001395689.1 and 1 more transcripts); c.4991C>T, p.Pro1664Leu (NM_001395691.1); c.3875C>T, p.Pro1292Leu (NM_001395697.1); short protein forms P1718L, P1759L, P1853L, P1292L, P1664L.
Identifiers: ClinVar variation 3840027 (VCV003840027.1).
Genomic context (GRCh38, chr14:95,091,079, plus strand): 5'-ACATTTTTTGCTTACCTAAATTTGGCAGTTTCTGGTTCCATTTCAAGCAATTCTCGCACA[G>A]GGGAACGGGGTACATTTGCAGAAAACTTTTCTGCAATCAAAATGAAAGAATAATATGAAT-3'
Protein context (NP_803187.1, residues 1843-1863): EKFSANVPRS[Pro1853Leu]VRELLEMEPE

ClinVar aggregate classification (germline): Uncertain significance (1 of 4 stars; one submission).

Conditions:
Hereditary cancer-predisposing syndrome. Also called: Hereditary neoplastic syndrome; Neoplastic Syndromes, Hereditary; Tumor predisposition; Hereditary Cancer Syndrome. Identifiers: Orphanet 140162, MedGen C0027672, MeSH D009386, MONDO:0015356.

Submission:

Ambry Genetics
Classification: Uncertain significance for Hereditary cancer-predisposing syndrome. Last evaluated: 2025-02-05. Review status: criteria provided, single submitter. Criteria: Ambry Variant Classification Scheme 2023. Collection method: clinical testing. Allele origin: germline.
Comment: The p.P1853L variant (also known as c.5558C>T), located in coding exon 25 of the DICER1 gene, results from a C to T substitution at nucleotide position 5558. The proline at codon 1853 is replaced by leucine, an amino acid with similar properties. This amino acid position is conserved. In addition, this alteration is predicted to be deleterious by in silico analysis. Based on the available evidence, the clinical significance of this variant remains unclear.